The following is an entry in ClinVar:

ClinVar aggregate classification (germline): Likely benign. Review status: criteria provided, multiple submitters, no conflicts (2 of 4 stars). 2 submissions from 2 submitters: Likely benign (2). Last evaluated 2026-05-01.

Allele frequency attached by ClinVar (database versions not stated): ExAC 0.00006; gnomAD exomes 0.00007; gnomAD 0.00009 and 0.00010; TOPMed 0.00011; ESP Exome Variant Server 0.00008.
gnomAD v4.1: 94 of 1,614,106 alleles (0.0058%); highest among the groups gnomAD compares: African/African-American, 0.013%; no homozygotes.

Submissions (2):

CeGaT Center for Human Genetics Tuebingen
Classification: Likely benign. Last evaluated: 2026-05-01. Review status: criteria provided, single submitter. Criteria: CeGaT Center For Human Genetics Tuebingen Variant Classification Criteria Version 2. Collection method: clinical testing. Allele origin: germline. Affected: yes. Observed: 1 variant allele.
Comment: COQ6: BP4, BP7

Labcorp Genetics (formerly Invitae), Labcorp
Classification: Likely benign. Last evaluated: 2025-07-03. Review status: criteria provided, single submitter. Criteria: Invitae Variant Classification Sherloc (09022015). Collection method: clinical testing. Allele origin: germline.

NM_182476.3(COQ6):c.735C>T (p.Asn245=)

Genes: COQ6 (coenzyme Q6, monooxygenase; plus strand), ENTPD5 (ectonucleoside triphosphate diphosphohydrolase 5; minus strand). Cytogenetic location: 14q24.3.
Variant type: single nucleotide variant.
Coding change: c.735C>T on transcript NM_182476.3 (MANE Select); coding-DNA position 735, C replaced by T.
Protein change: p.Asn245=; no amino-acid change (asparagine 245 retained).
Molecular consequence: synonymous variant. On other transcripts: 3 prime UTR variant (3), intron variant (2).
Genome position (GRCh38, 1-based): chr14:73,959,176, C>T. VCF-style: chr14-73959176-C-T. GRCh37 (hg19) VCF-style: chr14-74425879-C-T.
Other names: c.195C>T, p.Asn65= (NM_001425265.1, NM_001425264.1); c.660C>T, p.Asn220= (NM_182480.3, NM_001425258.1); c.*354G>A (NM_001330189.2, NM_001382259.1, NM_001382260.1); c.1201-3589G>A (NM_001382258.1); c.1201-3348G>A (NM_001382262.1); c.735C>T, p.Asn245= (NM_001425255.1, NM_001425256.1); c.570C>T, p.Asn190= (NM_001425257.1); c.510C>T, p.Asn170= (NM_001425259.1, NM_001425260.1, NM_001425261.1); and 2 more.
Identifiers: ClinVar variation 1596051 (VCV001596051.10), dbSNP rs200918369, ClinGen allele CA7264297.